The following is an entry in ClinVar:

ClinVar aggregate classification (germline): Uncertain significance (1 of 4 stars; one submission).

Conditions:
Cardiovascular phenotype. Identifiers: MedGen CN230736.

Submission:

Ambry Genetics
Classification: Uncertain significance for Cardiovascular phenotype. Last evaluated: 2026-06-06. Review status: criteria provided, single submitter. Criteria: Ambry Variant Classification Scheme 2023. Collection method: clinical testing. Allele origin: germline.
Comment: The p.Q1044E variant (also known as c.3130C>G), located in coding exon 11 of the RBM20 gene, results from a C to G substitution at nucleotide position 3130. The glutamine at codon 1044 is replaced by glutamic acid, an amino acid with highly similar properties. This amino acid position is conserved. In addition, this alteration is predicted to be tolerated by in silico analysis. Based on the available evidence, the clinical significance of this variant remains unclear.

NM_001134363.3(RBM20):c.3130C>G (p.Gln1044Glu)

Gene: RBM20 (RNA binding motif protein 20; plus strand). Cytogenetic location: 10q25.2.
Variant type: single nucleotide variant.
Coding change: c.3130C>G on transcript NM_001134363.3 (MANE Select); coding-DNA position 3130, C replaced by G.
Protein change: p.Gln1044Glu; replaces glutamine 1044 with glutamic acid.
Molecular consequence: missense variant.
Genome position (GRCh38, 1-based): chr10:110,821,749, C>G. VCF-style: chr10-110821749-C-G. GRCh37 (hg19) VCF-style: chr10-112581507-C-G.
Other names: short protein forms Q1044E.
Identifiers: ClinVar variation 4863076 (VCV004863076.1).